The following is an entry in ClinVar:

NM_016628.5(WAC):c.1557-6T>C

Gene: WAC (WW domain containing adaptor with coiled-coil; plus strand). Cytogenetic location: 10p12.1.
Variant type: single nucleotide variant.
Coding change: c.1557-6T>C on transcript NM_016628.5 (MANE Select); 6 bases into the intron before coding-DNA position 1557, T replaced by C.
Molecular consequence: intron variant.
Genome position (GRCh38, 1-based): chr10:28,616,167, T>C. VCF-style: chr10-28616167-T-C. GRCh37 (hg19) VCF-style: chr10-28905096-T-C.
Other names: c.1422-6T>C (NM_100264.3); c.1248-6T>C (NM_100486.4).
Identifiers: ClinVar variation 3778521 (VCV003778521.7).

ClinVar aggregate classification (germline): Uncertain significance (1 of 4 stars; one submission).

Submission:

CeGaT Center for Human Genetics Tuebingen
Classification: Uncertain significance. Last evaluated: 2025-03-01. Review status: criteria provided, single submitter. Criteria: CeGaT Center For Human Genetics Tuebingen Variant Classification Criteria Version 2. Collection method: clinical testing. Allele origin: germline. Affected: yes. Observed: 1 variant allele.
Comment: WAC: PM2, BP4